The following is an entry in ClinVar:

NM_001130823.3(DNMT1):c.3611C>T (p.Thr1204Ile)

Gene: DNMT1 (DNA methyltransferase 1; minus strand). Cytogenetic location: 19p13.2.
Variant type: single nucleotide variant.
Coding change: c.3611C>T on transcript NM_001130823.3 (MANE Select); coding-DNA position 3611, C replaced by T.
Protein change: p.Thr1204Ile; replaces threonine 1204 with isoleucine.
Molecular consequence: missense variant.
Genome position (GRCh38, 1-based): chr19:10,140,241, G>A on the plus strand (C>T on the coding strand, the complement: DNMT1 is on the minus strand). VCF-style: chr19-10140241-G-A. GRCh37 (hg19) VCF-style: chr19-10250917-G-A.
Other names: c.3563C>T, p.Thr1188Ile (NM_001318730.2, NM_001379.4); c.3248C>T, p.Thr1083Ile (NM_001318731.2); short protein forms T1083I, T1188I, T1204I.
Identifiers: ClinVar variation 3029805 (VCV003029805.2), dbSNP rs2513779776, ClinGen allele CA403973101.

ClinVar aggregate classification (germline): Uncertain significance (0 of 4 stars; one submission).

Conditions:
DNMT1-related disorder. Also called: DNMT1-related condition. Identifiers: MedGen CN381527.

Submission:

PreventionGenetics, part of Exact Sciences
Classification: Uncertain significance for DNMT1-related condition. Last evaluated: 2023-12-21. Review status: no assertion criteria provided. Collection method: clinical testing. Allele origin: germline.
Comment: The DNMT1 c.3611C>T variant is predicted to result in the amino acid substitution p.Thr1204Ile. To our knowledge, this variant has not been reported in the literature or in a large population database, indicating this variant is rare. Although we suspect that this variant may be pathogenic, at this time, the clinical significance of this variant is uncertain due to the absence of conclusive functional and genetic evidence.